The following is an entry in ClinVar:

NM_139343.3(BIN1):c.1264-11_1270del

Gene: BIN1 (bridging integrator 1; minus strand). Cytogenetic location: 2q14.3.
Variant type: Deletion.
Coding change: c.1264-11_1270del on transcript NM_139343.3 (MANE Select); 11 bases into the intron before coding-DNA position 1264 through coding-DNA position 1270, 18 bases deleted (CCTGTTACCAGCCCACAG).
Molecular consequence: splice acceptor variant. On other transcripts: intron variant (9).
Genome position (GRCh38, 1-based): chr2:127,052,356-127,052,373, CTGTGGGCTGGTAACAGG deleted on the plus strand (CCTGTTACCAGCCCACAG on the coding strand, the reverse complement: BIN1 is on the minus strand); deleting any 18 consecutive bases within chr2:127,052,356-127,052,374 gives the same sequence; the c. name uses the placement nearest the transcript's 3' end. VCF-style (leftmost placement, unchanged base first): chr2-127052355-TCTGTGGGCTGGTAACAGG-T. GRCh37 (hg19) VCF-style: chr2-127809931-TCTGTGGGCTGGTAACAGG-T.
Other names: c.1183-11_1189del (NM_001320642.1); c.838-1461_838-1444del (NM_001320634.1); c.910-1461_910-1444del (NM_139351.3); c.910-1130_910-1113del (NM_139350.3); c.910-11_916del (NM_139349.3); c.1039-1130_1039-1113del (NM_139348.3); c.1039-11_1045del (NM_139347.3); c.1171-11_1177del (NM_001320641.2); and 8 more.
Identifiers: ClinVar variation 420403 (VCV000420403.26), dbSNP rs776737413, ClinGen allele CA1857107.

ClinVar aggregate classification (germline): Conflicting classifications of pathogenicity. Review status: criteria provided, conflicting classifications (1 of 4 stars). 7 submissions from 6 submitters: Uncertain significance (6); Likely benign (1). Last evaluated 2026-09-24.

Conditions:
Myopathy, centronuclear, 2 (CNM2). Also called: MYOTUBULAR MYOPATHY, AUTOSOMAL RECESSIVE. Identifiers: Orphanet 169186, MedGen CN031787, MONDO:0009709, OMIM 255200.
Autosomal dominant nonsyndromic hearing loss 22. Also called: DFNA 22; Autosomal dominant nonsyndromic deafness 22. Identifiers: Orphanet 228012, MedGen C2931767, MONDO:0011660, OMIM 606346.

Submissions (7):

GeneDx
Classification: Uncertain significance. Last evaluated: 2026-09-24. Review status: criteria provided, single submitter. Criteria: GeneDx Variant Classification Process June 2021. Collection method: clinical testing. Allele origin: germline.
Comment: Reported in a patient with macular dystrophy along with variants of interest in other genes (PMID: 38272031); Canonical splice site variant with an unclear effect on protein function; This variant is associated with the following publications: (PMID: 38272031)

Labcorp Genetics (formerly Invitae), Labcorp
Classification: Likely benign for Myopathy, centronuclear, 2. Last evaluated: 2025-12-09. Review status: criteria provided, single submitter. Criteria: Invitae Variant Classification Sherloc (09022015). Collection method: clinical testing. Allele origin: germline.

Genomic Medicine Center of Excellence, King Faisal Specialist Hospital and Research Centre
Classification: Uncertain significance for Myopathy, centronuclear, 2. Last evaluated: 2025-09-10. Review status: criteria provided, single submitter. Criteria: ACMG Guidelines, 2015. Collection method: clinical testing. Allele origin: germline.

Genomic Medicine Center of Excellence, King Faisal Specialist Hospital and Research Centre
Classification: Uncertain significance for Autosomal dominant nonsyndromic hearing loss 22. Last evaluated: 2024-12-17. Review status: criteria provided, single submitter. Criteria: ACMG Guidelines, 2015. Collection method: clinical testing. Allele origin: germline.

Revvity Omics, Revvity
Classification: Uncertain significance for Myopathy, centronuclear, 2. Last evaluated: 2022-12-29. Review status: criteria provided, single submitter. Criteria: ACMG Guidelines, 2015. Collection method: clinical testing. Allele origin: germline.

Athena Diagnostics
Classification: Uncertain significance. Last evaluated: 2018-09-05. Review status: criteria provided, single submitter. Criteria: Athena Diagnostics Criteria. Collection method: clinical testing. Allele origin: germline.

Eurofins Ntd Llc (ga)
Classification: Uncertain significance. Last evaluated: 2015-04-17. Review status: criteria provided, single submitter. Criteria: EGL Classification Definitions 2015. Collection method: clinical testing. Allele origin: germline. Observed: 1 variant allele, 1 heterozygote.